The following is an entry in ClinVar:

NM_001035.3(RYR2):c.14422G>A (p.Asp4808Asn)

Gene: RYR2 (ryanodine receptor 2; plus strand). Cytogenetic location: 1q43.
Variant type: single nucleotide variant.
Coding change: c.14422G>A on transcript NM_001035.3 (MANE Select); coding-DNA position 14422, G replaced by A.
Protein change: p.Asp4808Asn; replaces aspartic acid 4808 with asparagine.
Molecular consequence: missense variant.
Genome position (GRCh38, 1-based): chr1:237,809,024, G>A. VCF-style: chr1-237809024-G-A. GRCh37 (hg19) VCF-style: chr1-237972324-G-A.
Other names: c.14422G>A, p.Asp4808Asn (LRG_402t1); short protein forms D4808N.
Identifiers: ClinVar variation 404202 (VCV000404202.12), dbSNP rs777414943, ClinGen allele CA085654.

ClinVar aggregate classification (germline): Uncertain significance. Review status: criteria provided, multiple submitters, no conflicts (2 of 4 stars). 5 submissions from 5 submitters: Uncertain significance (5). Last evaluated 2024-07-24.

Conditions:
Cardiovascular phenotype. Identifiers: MedGen CN230736.
Arrhythmogenic right ventricular dysplasia 2. Identifiers: MedGen C1832931.
Ventricular arrhythmias due to cardiac ryanodine receptor calcium release deficiency syndrome. Also called: Autosomal dominant cardiac arrhythmia (Kuhn). Identifiers: MedGen C5542154, MONDO:0020745, OMIM 115000.
Catecholaminergic polymorphic ventricular tachycardia 1. Also called: VENTRICULAR TACHYCARDIA, CATECHOLAMINERGIC POLYMORPHIC, 1, WITH OR WITHOUT ATRIAL DYSFUNCTION AND/OR DILATED CARDIOMYOPATHY; RYR2-Related Catecholaminergic Polymorphic Ventricular Tachycardia; VENTRICULAR TACHYCARDIA, STRESS-INDUCED POLYMORPHIC 1. Identifiers: Orphanet 3286, MedGen C1631597, MONDO:0011484, OMIM 604772.
Catecholaminergic polymorphic ventricular tachycardia (CVPT). Also called: Catecholamine-induced polymorphic ventricular tachycardia. Identifiers: Orphanet 3286, MedGen C5574922, MONDO:0017990.
Cardiomyopathy (CMYO). Also called: Cardiomyopathies. Identifiers: Orphanet 167848, MedGen C0878544, MONDO:0004994, HP:0001638. Inheritance: Various modes of inheritance.

Allele frequency attached by ClinVar (database versions not stated): ExAC 0.00001; gnomAD 0.00001; gnomAD exomes 0.00001; TOPMed 0.00001.
gnomAD v4.1: 10 of 1,612,872 alleles (0.00062%); highest among the groups gnomAD compares: Admixed American, 0.0033%; no homozygotes.

Submissions (5):

Ambry Genetics
Classification: Uncertain significance for Cardiovascular phenotype. Last evaluated: 2024-07-24. Review status: criteria provided, single submitter. Criteria: Ambry Variant Classification Scheme 2023. Collection method: clinical testing. Allele origin: germline.
Comment: The p.D4808N variant (also known as c.14422G>A), located in coding exon 100 of the RYR2 gene, results from a G to A substitution at nucleotide position 14422. The aspartic acid at codon 4808 is replaced by asparagine, an amino acid with highly similar properties. This amino acid position is highly conserved in available vertebrate species. In addition, the in silico prediction for this alteration is inconclusive. Based on the available evidence, the clinical significance of this variant remains unclear.

All of Us Research Program, National Institutes of Health
Classification: Uncertain significance for Catecholaminergic polymorphic ventricular tachycardia. Last evaluated: 2024-01-11. Review status: criteria provided, single submitter. Criteria: ACMG Guidelines, 2015. Collection method: clinical testing. Allele origin: germline. Inheritance: Autosomal dominant inheritance. Observed: 2 variant alleles, 2 heterozygotes.
Comment: This missense variant replaces aspartic acid with asparagine at codon 4808 of the RYR2 protein. Computational prediction is inconclusive regarding the impact of this variant on protein structure and function (internally defined REVEL score threshold 0.5 < inconclusive < 0.7, PMID: 27666373). To our knowledge, functional studies have not been reported for this variant. This variant has not been reported in individuals affected with RYR2-related disorders in the literature. This variant has not been identified in the general population by the Genome Aggregation Database (gnomAD). The available evidence is insufficient to determine the role of this variant in disease conclusively. Therefore, this variant is classified as a Variant of Uncertain Significance.

This study involves interpretation of variants in research participants for the purpose of population health screening. Participant phenotype was not available at the time of variant classification. Additional details can be found in publication PMID: 35346344, PMCID: PMC8962531

Color Diagnostics, LLC DBA Color Health
Classification: Uncertain significance for Cardiomyopathy. Last evaluated: 2023-11-01. Review status: criteria provided, single submitter. Criteria: ACMG Guidelines, 2015. Collection method: clinical testing. Allele origin: germline.
Comment: This missense variant replaces aspartic acid with asparagine at codon 4808 of the RYR2 protein. Computational prediction is inconclusive regarding the impact of this variant on protein structure and function. To our knowledge, functional studies have not been reported for this variant. This variant has not been reported in individuals affected with RYR2-related disorders in the literature. This variant has not been identified in the general population by the Genome Aggregation Database (gnomAD). The available evidence is insufficient to determine the role of this variant in disease conclusively. Therefore, this variant is classified as a Variant of Uncertain Significance.

Labcorp Genetics (formerly Invitae), Labcorp
Classification: Uncertain significance for Catecholaminergic polymorphic ventricular tachycardia 1. Last evaluated: 2022-06-27. Review status: criteria provided, single submitter. Criteria: Invitae Variant Classification Sherloc (09022015). Collection method: clinical testing. Allele origin: germline.
Comment: In summary, the available evidence is currently insufficient to determine the role of this variant in disease. Therefore, it has been classified as a Variant of Uncertain Significance. Algorithms developed to predict the effect of missense changes on protein structure and function are either unavailable or do not agree on the potential impact of this missense change (SIFT: "Deleterious"; PolyPhen-2: "Probably Damaging"; Align-GVGD: "Class C0"). ClinVar contains an entry for this variant (Variation ID: 404202). This variant has not been reported in the literature in individuals affected with RYR2-related conditions. This variant is present in population databases (rs777414943, gnomAD 0.0009%). This sequence change replaces aspartic acid, which is acidic and polar, with asparagine, which is neutral and polar, at codon 4808 of the RYR2 protein (p.Asp4808Asn).

Fulgent Genetics
Classification: Uncertain significance for Ventricular arrhythmias due to cardiac ryanodine receptor calcium release deficiency syndrome; Catecholaminergic polymorphic ventricular tachycardia 1. Last evaluated: 2021-09-21. Review status: criteria provided, single submitter. Criteria: ACMG Guidelines, 2015. Collection method: clinical testing. Allele origin: unknown.